The following is an entry in ClinVar:

NM_001291415.2(KDM6A):c.1558T>C (p.Cys520Arg)

Gene: KDM6A (lysine demethylase 6A; plus strand). Cytogenetic location: Xp11.3.
Variant type: single nucleotide variant.
Coding change: c.1558T>C on transcript NM_001291415.2 (MANE Select); coding-DNA position 1558, T replaced by C.
Protein change: p.Cys520Arg; replaces cysteine 520 with arginine.
Molecular consequence: missense variant. On other transcripts: non-coding transcript variant (1).
Genome position (GRCh38, 1-based): chrX:45,061,396, T>C. VCF-style: chrX-45061396-T-C. GRCh37 (hg19) VCF-style: chrX-44920641-T-C.
Other names: p.Cys468Arg; c.1423T>C, p.Cys475Arg (NM_001291416.2); c.1267T>C, p.Cys423Arg (NM_001291417.2, NM_001291418.2); c.514T>C, p.Cys172Arg (NM_001291421.2); c.1402T>C, p.Cys468Arg (NM_021140.4); c.1402T>C (NM_021140.2); short protein forms C520R, C423R, C475R, C172R, C468R.
Identifiers: ClinVar variation 702624 (VCV000702624.18), dbSNP rs138723332, ClinGen allele CA10392364.
Genomic context (GRCh38, chrX:45,061,396, plus strand): 5'-AATTGGAGTGGTGGACATGCTGTGTCACATCCTCCAGTACAGCAACAAGCTCATTCATGG[T>C]GTTTGACACCACAGAAATTACAGGTATGTAAGATGTTTTTGACAAATTGTTTATTAAAAA-3'
Protein context (NP_001278344.1, residues 510-530): PPVQQQAHSW[Cys520Arg]LTPQKLQHLE

ClinVar aggregate classification (germline): Benign/Likely benign. Review status: criteria provided, multiple submitters, no conflicts (2 of 4 stars). 8 submissions from 8 submitters: Benign (2); Likely benign (3). 3 of the submissions do not count toward it. Last evaluated 2026-02-01.

Conditions:
Inborn genetic diseases. Identifiers: MedGen C0950123, MeSH D030342.
KDM6A-related disorder. Also called: KDM6A-related condition.
Kabuki syndrome 2 (KABUK2). Also called: KDM6A-Related Kabuki Syndrome. Identifiers: Orphanet 2322, MedGen C3275495, MONDO:0010465, OMIM 300867.

Allele frequency attached by ClinVar (database versions not stated): ESP Exome Variant Server 0.00038; TOPMed 0.00045; gnomAD 0.00047 and 0.00048; gnomAD exomes 0.00052 and 0.00081; ExAC 0.00073.
gnomAD v4.1: 891 of 1,152,652 alleles (0.077%); highest among the groups gnomAD compares: Non-Finnish European, 0.094%; 1 homozygote.

Submissions (8):

Labcorp Genetics (formerly Invitae), Labcorp
Classification: Benign for Kabuki syndrome 2. Last evaluated: 2026-02-01. Review status: criteria provided, single submitter. Criteria: Invitae Variant Classification Sherloc (09022015). Collection method: clinical testing. Allele origin: germline.

Ambry Genetics
Classification: Likely benign for Inborn genetic diseases. Last evaluated: 2025-01-29. Review status: criteria provided, single submitter. Criteria: Ambry Variant Classification Scheme 2023. Collection method: clinical testing. Allele origin: germline.

Mayo Clinic Laboratories, Mayo Clinic
Classification: Likely benign. Last evaluated: 2025-01-14. Review status: criteria provided, single submitter. Criteria: ACMG Guidelines, 2015. Collection method: clinical testing. Allele origin: germline. Observed: 1 variant allele.
Comment: BS2, BP4_moderate

Blueprint Genetics
Classification: Likely benign. Last evaluated: 2024-09-12. Review status: criteria provided, single submitter. Criteria: ACMG Guidelines, 2015. Collection method: clinical testing. Allele origin: germline.

GeneDx
Classification: Benign. Last evaluated: 2020-08-13. Review status: criteria provided, single submitter. Criteria: GeneDx Variant Classification Process June 2021. Collection method: clinical testing. Allele origin: germline. Affected: yes.

PreventionGenetics, part of Exact Sciences
Classification: Likely benign for KDM6A-related condition. Last evaluated: 2021-07-14. Review status: no assertion criteria provided. Collection method: clinical testing. Allele origin: germline. Not counted in ClinVar's aggregate classification.
Comment: This variant is classified as likely benign based on ACMG/AMP sequence variant interpretation guidelines (Richards et al. 2015 PMID: 25741868, with internal and published modifications).

Genome Diagnostics Laboratory, University Medical Center Utrecht
Classification: Likely benign. Review status: no assertion criteria provided. Collection method: clinical testing. Allele origin: germline. Affected: yes. Study: VKGL Data-share Consensus. Not counted in ClinVar's aggregate classification.

Joint Genome Diagnostic Labs from Nijmegen and Maastricht, Radboudumc and MUMC+
Classification: Benign. Review status: no assertion criteria provided. Collection method: clinical testing. Allele origin: germline. Affected: yes. Study: VKGL Data-share Consensus. Not counted in ClinVar's aggregate classification.